The following is an entry in ClinVar:

NM_001378418.1(TCF20):c.653C>T (p.Pro218Leu)

Gene: TCF20 (transcription factor 20; minus strand). Cytogenetic location: 22q13.2.
Variant type: single nucleotide variant.
Coding change: c.653C>T on transcript NM_001378418.1 (MANE Select); coding-DNA position 653, C replaced by T.
Protein change: p.Pro218Leu; replaces proline 218 with leucine.
Molecular consequence: missense variant.
Genome position (GRCh38, 1-based): chr22:42,214,653, G>A on the plus strand (C>T on the coding strand, the complement: TCF20 is on the minus strand). VCF-style: chr22-42214653-G-A. GRCh37 (hg19) VCF-style: chr22-42610659-G-A.
Other names: c.653C>T, p.Pro218Leu (NM_005650.4, NM_181492.3); short protein forms P218L.
Identifiers: ClinVar variation 2146181 (VCV002146181.4), dbSNP rs2518243501, ClinGen allele CA411792534.

ClinVar aggregate classification (germline): Uncertain significance (1 of 4 stars; one submission).

Submission:

Labcorp Genetics (formerly Invitae), Labcorp
Classification: Uncertain significance. Last evaluated: 2023-10-13. Review status: criteria provided, single submitter. Criteria: Invitae Variant Classification Sherloc (09022015). Collection method: clinical testing. Allele origin: germline.
Comment: This sequence change replaces proline, which is neutral and non-polar, with leucine, which is neutral and non-polar, at codon 218 of the TCF20 protein (p.Pro218Leu). This variant is not present in population databases (gnomAD no frequency). This variant has not been reported in the literature in individuals affected with TCF20-related conditions. ClinVar contains an entry for this variant (Variation ID: 2146181). An algorithm developed to predict the effect of missense changes on protein structure and function (PolyPhen-2) suggests that this variant is likely to be tolerated. In summary, the available evidence is currently insufficient to determine the role of this variant in disease. Therefore, it has been classified as a Variant of Uncertain Significance.